The following is an entry in ClinVar:

ClinVar aggregate classification (germline): Uncertain significance. Review status: criteria provided, multiple submitters, no conflicts (2 of 4 stars). 2 submissions from 2 submitters: Uncertain significance (2). Last evaluated 2026-01-26.

Conditions:
Inborn genetic diseases. Identifiers: MedGen C0950123, MeSH D030342.

Allele frequency attached by ClinVar (database versions not stated): gnomAD exomes below 0.00001; gnomAD 0.00003; TOPMed 0.00008.
gnomAD v4.1: 6 of 1,249,436 alleles (0.00048%); highest among the groups gnomAD compares: Admixed American, 0.0099%; no homozygotes.

Submissions (2):

Labcorp Genetics (formerly Invitae), Labcorp
Classification: Uncertain significance. Last evaluated: 2026-01-26. Review status: criteria provided, single submitter. Criteria: Invitae Variant Classification Sherloc (09022015). Collection method: clinical testing. Allele origin: germline.
Comment: This sequence change falls in intron 1 of the TNFRSF11A gene. It does not directly change the encoded amino acid sequence of the TNFRSF11A protein. It affects a nucleotide within the consensus splice site. This variant is present in population databases (no rsID available, gnomAD 0.2%). This variant has not been reported in the literature in individuals affected with TNFRSF11A-related conditions. ClinVar contains an entry for this variant (Variation ID: 1915483). Variants that disrupt the consensus splice site are a relatively common cause of aberrant splicing (PMID: 17576681, 9536098). Algorithms developed to predict the effect of sequence changes on RNA splicing suggest that this variant is not likely to affect RNA splicing. In summary, the available evidence is currently insufficient to determine the role of this variant in disease. Therefore, it has been classified as a Variant of Uncertain Significance.

Ambry Genetics
Classification: Uncertain significance for Inborn genetic diseases. Last evaluated: 2024-05-22. Review status: criteria provided, single submitter. Criteria: Ambry Variant Classification Scheme 2023. Collection method: clinical testing. Allele origin: germline.
Comment: The c.75+4A>G intronic alteration consists of a A to G substitution nucleotides after coding exon 1 in the TNFRSF11A gene. Based on insufficient or conflicting evidence, the clinical significance of this alteration remains unclear.

Literature cited by the submitters: PubMed 17576681 (cited by Labcorp Genetics (formerly Invitae), Labcorp); PubMed 9536098 (cited by Labcorp Genetics (formerly Invitae), Labcorp).

NM_003839.4(TNFRSF11A):c.75+4A>G

Gene: TNFRSF11A (TNF receptor superfamily member 11a; plus strand). Cytogenetic location: 18q21.33.
Variant type: single nucleotide variant.
Coding change: c.75+4A>G on transcript NM_003839.4 (MANE Select); 4 bases into the intron after coding-DNA position 75, A replaced by G.
Molecular consequence: intron variant.
Genome position (GRCh38, 1-based): chr18:62,325,431, A>G. VCF-style: chr18-62325431-A-G. GRCh37 (hg19) VCF-style: chr18-59992664-A-G.
Other names: c.75+4A>G (NM_001270949.2, NM_001270950.2, NM_001270951.2 and 2 more transcripts).
Identifiers: ClinVar variation 1915483 (VCV001915483.6), dbSNP rs1270080931, ClinGen allele CA630114948.
Genomic context (GRCh38, chr18:62,325,431, plus strand): 5'-CGGCGCCGCCCGCTGTTCGCGCTGCTGCTGCTCTGCGCGCTGCTCGCCCGGCTGCAGGTA[A>G]GGAGCGCCCGCGCCTGCCGGGCCGCGCGGCCCGACGCCTCCTCGGGAGCCCCGGGAAGGG-3'